The following is an entry in ClinVar:

NM_001267550.2(TTN):c.104815G>C (p.Asp34939His)

Genes: TTN (titin; minus strand), TTN-AS1 (TTN antisense RNA 1; plus strand). Cytogenetic location: 2q31.2.
Variant type: single nucleotide variant.
Coding change: c.104815G>C on transcript NM_001267550.2 (MANE Select); coding-DNA position 104815, G replaced by C.
Protein change: p.Asp34939His; replaces aspartic acid 34939 with histidine.
Molecular consequence: missense variant.
Genome position (GRCh38, 1-based): chr2:178,531,800, C>G on the plus strand (G>C on the coding strand, the complement: TTN is on the minus strand). VCF-style: chr2-178531800-C-G. GRCh37 (hg19) VCF-style: chr2-179396527-C-G.
Other names: c.99892G>C, p.Asp33298His (NM_001256850.1); c.77620G>C, p.Asp25874His (NM_003319.4); c.97111G>C, p.Asp32371His (NM_133378.4); c.77995G>C, p.Asp25999His (NM_133432.3); c.78196G>C, p.Asp26066His (NM_133437.4); short protein forms D33298H, D34939H, D32371H, D25999H, D25874H, D26066H.
Identifiers: ClinVar variation 1522987 (VCV001522987.6), dbSNP rs752164427, ClinGen allele CA1985354.

ClinVar aggregate classification (germline): Uncertain significance (1 of 4 stars; one submission).

Conditions:
Dilated cardiomyopathy 1G (CMD1G). Identifiers: Orphanet 154, MedGen C1858763, MONDO:0011400, OMIM 604145.
Autosomal recessive limb-girdle muscular dystrophy type 2J (LGMDR10). Also called: Limb-girdle muscular dystrophy, type 2J; MUSCULAR DYSTROPHY, LIMB-GIRDLE, AUTOSOMAL RECESSIVE 10. Identifiers: Orphanet 140922, MedGen C1837342, MONDO:0012127, OMIM 608807.

Allele frequency attached by ClinVar (database versions not stated): gnomAD exomes below 0.00001; ExAC 0.00001.

Submission:

Labcorp Genetics (formerly Invitae), Labcorp
Classification: Uncertain significance for Dilated cardiomyopathy 1G; Autosomal recessive limb-girdle muscular dystrophy type 2J. Last evaluated: 2021-04-04. Review status: criteria provided, single submitter. Criteria: Invitae Variant Classification Sherloc (09022015). Collection method: clinical testing. Allele origin: germline.
Comment: This sequence change replaces aspartic acid with histidine at codon 34939 of the TTN protein (p.Asp34939His). There is a moderate physicochemical difference between aspartic acid and histidine. This variant is present in population databases (rs752164427, ExAC 0.001%). This variant has not been reported in the literature in individuals with TTN-related conditions. Experimental studies and prediction algorithms are not available or were not evaluated, and the functional significance of this variant is currently unknown. In summary, the available evidence is currently insufficient to determine the role of this variant in disease. Therefore, it has been classified as a Variant of Uncertain Significance. This variant is located in the M band of TTN (PMID: 25589632). Variants in this region may be relevant for neuromuscular disorders, but have not been definitively shown to cause cardiomyopathy (PMID: 23975875).

Literature cited by the submitters: PubMed 25589632; PubMed 23975875.